The following is an entry in ClinVar:

ClinVar aggregate classification (germline): Likely benign (1 of 4 stars; one submission).

Allele frequency attached by ClinVar (database versions not stated): gnomAD 0.00001; TOPMed 0.00003.
gnomAD v4.1: 16 of 1,182,390 alleles (0.0014%); highest among the groups gnomAD compares: African/African-American, 0.0035%; no homozygotes.

Submission:

CeGaT Center for Human Genetics Tuebingen
Classification: Likely benign. Last evaluated: 2024-02-01. Review status: criteria provided, single submitter. Criteria: CeGaT Center For Human Genetics Tuebingen Variant Classification Criteria Version 2. Collection method: clinical testing. Allele origin: germline. Affected: yes. Observed: 1 variant allele.
Comment: HCFC1: BP4

NM_005334.3(HCFC1):c.1803+6C>T

Gene: HCFC1 (host cell factor C1; minus strand). Cytogenetic location: Xq28.
Variant type: single nucleotide variant.
Coding change: c.1803+6C>T on transcript NM_005334.3 (MANE Select); 6 bases into the intron after coding-DNA position 1803, C replaced by T.
Molecular consequence: intron variant.
Genome position (GRCh38, 1-based): chrX:153,958,563, G>A on the plus strand (C>T on the coding strand, the complement: HCFC1 is on the minus strand). VCF-style: chrX-153958563-G-A. GRCh37 (hg19) VCF-style: chrX-153224014-G-A.
Other names: c.1803+6C>T (NM_001410705.1).
Identifiers: ClinVar variation 3025810 (VCV003025810.22), dbSNP rs1039285407, ClinGen allele CA337256511.